The following is an entry in ClinVar:

NM_152564.5(VPS13B):c.6134T>C (p.Ile2045Thr)

Gene: VPS13B (vacuolar protein sorting 13 homolog B; plus strand). Cytogenetic location: 8q22.2.
Variant type: single nucleotide variant.
Coding change: c.6134T>C on transcript NM_152564.5 (MANE Select); coding-DNA position 6134, T replaced by C.
Protein change: p.Ile2045Thr; replaces isoleucine 2045 with threonine.
Molecular consequence: missense variant.
Genome position (GRCh38, 1-based): chr8:99,699,612, T>C. VCF-style: chr8-99699612-T-C. GRCh37 (hg19) VCF-style: chr8-100711840-T-C.
Other names: c.6209T>C, p.Ile2070Thr (NM_017890.5); short protein forms I2070T, I2045T.
Identifiers: ClinVar variation 2159011 (VCV002159011.1), dbSNP rs2491483666, ClinGen allele CA371874251.

ClinVar aggregate classification (germline): Uncertain significance (1 of 4 stars; one submission).

Conditions:
Cohen syndrome (COH1). Also called: PEPPER SYNDROME; Cutis verticis gyrata, retinitis pigmentosa, and sensorineural deafness. Identifiers: Orphanet 193, MedGen C0265223, MONDO:0008999, OMIM 216550.

gnomAD v4.1: 9 of 1,614,018 alleles (0.00056%); highest among the groups gnomAD compares: African/African-American, 0.0053%; no homozygotes.

Submission:

Labcorp Genetics (formerly Invitae), Labcorp
Classification: Uncertain significance for Cohen syndrome. Last evaluated: 2022-09-22. Review status: criteria provided, single submitter. Criteria: Invitae Variant Classification Sherloc (09022015). Collection method: clinical testing. Allele origin: germline.
Comment: This sequence change replaces isoleucine, which is neutral and non-polar, with threonine, which is neutral and polar, at codon 2070 of the VPS13B protein (p.Ile2070Thr). This variant is not present in population databases (gnomAD no frequency). This variant has not been reported in the literature in individuals affected with VPS13B-related conditions. Advanced modeling of protein sequence and biophysical properties (such as structural, functional, and spatial information, amino acid conservation, physicochemical variation, residue mobility, and thermodynamic stability) performed at Invitae indicates that this missense variant is not expected to disrupt VPS13B protein function. In summary, the available evidence is currently insufficient to determine the role of this variant in disease. Therefore, it has been classified as a Variant of Uncertain Significance.